The following is an entry in ClinVar:

ClinVar aggregate classification (germline): Likely benign. Review status: criteria provided, multiple submitters, no conflicts (2 of 4 stars). 4 submissions from 4 submitters: Likely benign (4). Last evaluated 2024-08-13.

Conditions:
RYR1-related disorder. Also called: RYR1-related condition; RYR1-related disorders. Identifiers: MedGen CN239331.
Malignant hyperthermia, susceptibility to, 1 (MHS1). Also called: RYR1-Related Malignant Hyperthermia Susceptibility; Anesthesia related hyperthermia; Malignant hyperpyrexia; Fulminating hyperpyrexia; Pharmacogenic myopathy; Malignant hyperthermia suceptibility 1. Identifiers: Orphanet 423, MedGen C2930980, MONDO:0007783, OMIM 145600.

Allele frequency attached by ClinVar (database versions not stated): gnomAD exomes 0.00001 and 0.00003; ExAC 0.00004; gnomAD 0.00004 and 0.00006; ESP Exome Variant Server 0.00008; TOPMed 0.00008; 1000 Genomes Project 30x 0.00016; 1000 Genomes Project 0.00020.
gnomAD v4.1: 33 of 1,614,008 alleles (0.002%); highest among the groups gnomAD compares: Middle Eastern, 0.017%; no homozygotes.

Submissions (4):

Labcorp Genetics (formerly Invitae), Labcorp
Classification: Likely benign for RYR1-related disorder. Last evaluated: 2024-08-13. Review status: criteria provided, single submitter. Criteria: Invitae Variant Classification Sherloc (09022015). Collection method: clinical testing. Allele origin: germline.

All of Us Research Program, National Institutes of Health
Classification: Likely benign for Malignant hyperthermia, susceptibility to, 1. Last evaluated: 2024-01-11. Review status: criteria provided, single submitter. Criteria: ACMG Guidelines, 2015. Collection method: clinical testing. Allele origin: germline. Inheritance: Autosomal dominant inheritance. Observed: 14 variant alleles, 14 heterozygotes.
Comment: This study involves interpretation of variants in research participants for the purpose of population health screening. Participant phenotype was not available at the time of variant classification. Additional details can be found in publication PMID: 35346344, PMCID: PMC8962531

Color Diagnostics, LLC DBA Color Health
Classification: Likely benign for Malignant hyperthermia, susceptibility to, 1. Last evaluated: 2022-11-10. Review status: criteria provided, single submitter. Criteria: ACMG Guidelines, 2015. Collection method: clinical testing. Allele origin: germline.

PreventionGenetics, part of Exact Sciences
Classification: Likely benign. Review status: criteria provided, single submitter. Criteria: ACMG Guidelines, 2015. Collection method: clinical testing. Allele origin: germline.

NM_000540.3(RYR1):c.11440-12C>T

Gene: RYR1 (ryanodine receptor 1; plus strand). Cytogenetic location: 19q13.2.
Variant type: single nucleotide variant.
Coding change: c.11440-12C>T on transcript NM_000540.3 (MANE Select); 12 bases into the intron before coding-DNA position 11440, C replaced by T.
Molecular consequence: intron variant.
Genome position (GRCh38, 1-based): chr19:38,535,304, C>T. VCF-style: chr19-38535304-C-T. GRCh37 (hg19) VCF-style: chr19-39025944-C-T.
Other names: c.11425-12C>T (NM_001042723.2).
Identifiers: ClinVar variation 256405 (VCV000256405.8), dbSNP rs368822008, ClinGen allele CA056932.
Genomic context (GRCh38, chr19:38,535,304, plus strand): 5'-GAAGAAGGCAAGGAGGGATGAGAGGTTCCTGTGTGACTCCCAGTTTCTCCTCCCCTGCCT[C>T]GCCCTCTGCAGAAAATGCTGGATTATCTTAAGGACAAGAAGGAAGTTGGCTTCTTCCAGA-3'